The following is an entry in ClinVar:

NM_002088.5(GRIK5):c.2514+884C>G

Gene: GRIK5 (glutamate ionotropic receptor kainate type subunit 5; minus strand). Cytogenetic location: 19q13.2.
Variant type: single nucleotide variant.
Coding change: c.2514+884C>G on transcript NM_002088.5 (MANE Select); 884 bases into the intron after coding-DNA position 2514, C replaced by G.
Molecular consequence: intron variant. On other transcripts: synonymous variant (1).
Genome position (GRCh38, 1-based): chr19:42,002,448, G>C on the plus strand (C>G on the coding strand, the complement: GRIK5 is on the minus strand). VCF-style: chr19-42002448-G-C. GRCh37 (hg19) VCF-style: chr19-42506600-G-C.
Other names: c.2613C>G, p.Thr871= (NM_001301030.2).
Identifiers: ClinVar variation 3047466 (VCV003047466.2), dbSNP rs782130099, ClinGen allele CA9468075.
Genomic context (GRCh38, chr19:42,002,448, plus strand): 5'-CTGCAGGAGGAAAGGACAGACTTGCCGGAGGGATGTCCTTGAGAAGGCAACCTGGACACG[G>C]GTGGAGGGCACCTTTACTAGCAGCATGGACGGCTCCTTCAGAGGAGTCCTTGGGCCAAGT-3'

ClinVar aggregate classification (germline): Likely benign (0 of 4 stars; one submission).

Conditions:
GRIK5-related disorder. Also called: GRIK5-related condition.

Allele frequency attached by ClinVar (database versions not stated): gnomAD 0.00003; gnomAD exomes 0.00023; ExAC 0.00103.
gnomAD v4.1: 129 of 717,570 alleles (0.018%); highest among the groups gnomAD compares: South Asian, 0.18%; no homozygotes.

Submission:

PreventionGenetics, part of Exact Sciences
Classification: Likely benign for GRIK5-related condition. Last evaluated: 2019-04-08. Review status: no assertion criteria provided. Collection method: clinical testing. Allele origin: germline.
Comment: This variant is classified as likely benign based on ACMG/AMP sequence variant interpretation guidelines (Richards et al. 2015 PMID: 25741868, with internal and published modifications).